The following is an entry in ClinVar:

ClinVar aggregate classification (germline): Conflicting classifications of pathogenicity. Review status: criteria provided, conflicting classifications (1 of 4 stars). 2 submissions from 2 submitters: Likely pathogenic (1); Uncertain significance (1). Last evaluated 2023-12-26.

Conditions:
Hereditary cancer-predisposing syndrome. Also called: Neoplastic Syndromes, Hereditary; Tumor predisposition; Hereditary Cancer Syndrome; Hereditary neoplastic syndrome. Identifiers: Orphanet 140162, MedGen C0027672, MeSH D009386, MONDO:0015356.
Birt-Hogg-Dube syndrome. Also called: Birt Hogg Dubé syndrome. Identifiers: Orphanet 122, MedGen C0346010, MONDO:0800444.

Submissions (2):

Ambry Genetics
Classification: Likely pathogenic for Hereditary cancer-predisposing syndrome. Last evaluated: 2023-12-26. Review status: criteria provided, single submitter. Criteria: Ambry Variant Classification Scheme 2023. Collection method: clinical testing. Allele origin: germline.
Comment: The p.E132K variant (also known as c.394G>A), located in coding exon 2 of the FLCN gene, results from a G to A substitution at nucleotide position 394. The glutamic acid at codon 132 is replaced by lysine, an amino acid with similar properties. This alteration has been observed in at least one individual with a personal and/or family history that is consistent with FLCN-related disease (Ambry internal data). This amino acid position is highly conserved in available vertebrate species. In addition, this alteration is predicted to be deleterious by in silico analysis. This variant is considered to be rare based on population cohorts in the Genome Aggregation Database (gnomAD). Based on the majority of available evidence to date, this variant is likely to be pathogenic.

Labcorp Genetics (formerly Invitae), Labcorp
Classification: Uncertain significance for Birt-Hogg-Dube syndrome. Last evaluated: 2022-07-25. Review status: criteria provided, single submitter. Criteria: Invitae Variant Classification Sherloc (09022015). Collection method: clinical testing. Allele origin: germline.
Comment: Algorithms developed to predict the effect of missense changes on protein structure and function are either unavailable or do not agree on the potential impact of this missense change (SIFT: "Tolerated"; PolyPhen-2: "Probably Damaging"; Align-GVGD: "Class C0"). This missense change has been observed in individual(s) with clinical features of Birt-Hogg-Dubé syndrome (PMID: 18579543; Invitae). This variant is not present in population databases (gnomAD no frequency). This sequence change replaces glutamic acid, which is acidic and polar, with lysine, which is basic and polar, at codon 132 of the FLCN protein (p.Glu132Lys). In summary, the available evidence is currently insufficient to determine the role of this variant in disease. Therefore, it has been classified as a Variant of Uncertain Significance.

Literature cited by the submitters: PubMed 18579543 (cited by Ambry Genetics and Labcorp Genetics (formerly Invitae), Labcorp).

NM_144997.7(FLCN):c.394G>A (p.Glu132Lys)

Gene: FLCN (folliculin; minus strand). Cytogenetic location: 17p11.2.
Variant type: single nucleotide variant.
Coding change: c.394G>A on transcript NM_144997.7 (MANE Select); coding-DNA position 394, G replaced by A.
Protein change: p.Glu132Lys; replaces glutamic acid 132 with lysine.
Molecular consequence: missense variant.
Genome position (GRCh38, 1-based): chr17:17,226,178, C>T on the plus strand (G>A on the coding strand, the complement: FLCN is on the minus strand). VCF-style: chr17-17226178-C-T. GRCh37 (hg19) VCF-style: chr17-17129492-C-T.
Other names: c.394G>A, p.Glu132Lys (NM_001353229.2, NM_001353230.2, NM_001353231.2 and 1 more transcripts); short protein forms E132K.
Identifiers: ClinVar variation 1736420 (VCV001736420.7), dbSNP rs2145009956, ClinGen allele CA398534677.
Genomic context (GRCh38, chr17:17,226,178, plus strand): 5'-GAGCACCTGGGAGCATGTGGGCTCCCACAGAGACAGGCTCTGTGGCCACAAGGCTCACCT[C>T]ACAGCTCAGGCTCCGGACACAGGCCTGGCGGACAATGCTGAAGAGCTGGGGGTGGCTGGG-3'
Protein context (NP_659434.2, residues 122-142): RQACVRSLSC[Glu132Lys]VCPGREGPIF